The following is an entry in ClinVar:

NM_024675.4(PALB2):c.2962C>A (p.Gln988Lys)

Gene: PALB2 (partner and localizer of BRCA2; minus strand). Cytogenetic location: 16p12.2.
Variant type: single nucleotide variant.
Coding change: c.2962C>A on transcript NM_024675.4 (MANE Select); coding-DNA position 2962, C replaced by A.
Protein change: p.Gln988Lys; replaces glutamine 988 with lysine.
Molecular consequence: missense variant. On other transcripts: intron variant (1).
Genome position (GRCh38, 1-based): chr16:23,623,003, G>T on the plus strand (C>A on the coding strand, the complement: PALB2 is on the minus strand). VCF-style: chr16-23623003-G-T. GRCh37 (hg19) VCF-style: chr16-23634324-G-T.
Other names: c.2902C>A, p.Gln968Lys (NM_001407296.1); c.2890C>A, p.Gln964Lys (NM_001407297.1); c.2800C>A, p.Gln934Lys (NM_001407298.1, NM_001407302.1); c.2962C>A, p.Gln988Lys (NM_001407299.1, NM_001407301.1); c.2077C>A, p.Gln693Lys (NM_001407304.1, NM_001407305.1, NM_001407306.1 and 4 more transcripts); c.1915C>A, p.Gln639Lys (NM_001407307.1); c.1174C>A, p.Gln392Lys (NM_001407312.1, NM_001407313.1); c.496C>A, p.Gln166Lys (NM_001407314.1); and 1 more; short protein forms Q964K, Q988K, Q639K, Q693K, Q166K, Q392K, Q968K, Q934K.
Identifiers: ClinVar variation 4825307 (VCV004825307.1).

ClinVar aggregate classification (germline): Uncertain significance (1 of 4 stars; one submission).

Conditions:
Hereditary cancer-predisposing syndrome. Also called: Neoplastic Syndromes, Hereditary; Tumor predisposition; Hereditary Cancer Syndrome; Hereditary neoplastic syndrome. Identifiers: Orphanet 140162, MedGen C0027672, MeSH D009386, MONDO:0015356.

Submission:

Ambry Genetics
Classification: Uncertain significance for Hereditary cancer-predisposing syndrome. Last evaluated: 2026-02-13. Review status: criteria provided, single submitter. Criteria: Ambry Variant Classification Scheme 2023. Collection method: clinical testing. Allele origin: germline.
Comment: The p.Q988K variant (also known as c.2962C>A), located in coding exon 9 of the PALB2 gene, results from a C to A substitution at nucleotide position 2962. The glutamine at codon 988 is replaced by lysine, an amino acid with similar properties. This amino acid position is well conserved in available vertebrate species. In addition, this alteration is predicted to be tolerated by in silico analysis. Based on the available evidence, the clinical significance of this variant remains unclear.